The following is an entry in ClinVar:

NM_016373.4(WWOX):c.606-1G>A

Gene: WWOX (WW domain containing oxidoreductase; plus strand). Cytogenetic location: 16q23.1.
Variant type: single nucleotide variant.
Coding change: c.606-1G>A on transcript NM_016373.4 (MANE Select); the canonical splice acceptor site of the intron before coding-DNA position 606, G replaced by A.
Molecular consequence: splice acceptor variant.
Genome position (GRCh38, 1-based): chr16:78,424,869, G>A. VCF-style: chr16-78424869-G-A. GRCh37 (hg19) VCF-style: chr16-78458766-G-A.
Other names: c.267-1G>A (NM_001291997.2).
Identifiers: ClinVar variation 183303 (VCV000183303.22), dbSNP rs730882215, ClinGen allele CA249927.
Genomic context (GRCh38, chr16:78,424,869, plus strand): 5'-CATGGATTATCCTTGGTTGTAGTGTTTATGTCCACATCACATGGGATATTTTATTTTTCA[G>A]GCCTCTTCATGTGCTTGTGTGCAACGCAGCAACTTTTGCTCTACCCTGGAGTCTCACCAA-3'

ClinVar aggregate classification (germline): Pathogenic. Review status: criteria provided, multiple submitters, no conflicts (2 of 4 stars). 11 submissions from 10 submitters: Pathogenic (9). 2 of the submissions do not count toward it. Last evaluated 2025-10-07.

Conditions:
Autosomal recessive spinocerebellar ataxia 12. Also called: SPINOCEREBELLAR ATAXIA WITH MENTAL RETARDATION AND EPILEPSY. Identifiers: Orphanet 284282, MedGen C3280452, MONDO:0013687, OMIM 614322.
Developmental and epileptic encephalopathy, 28 (DEE28). Also called: Epileptic encephalopathy, early infantile, 28. Identifiers: Orphanet 442835, MedGen C4015519, MONDO:0014533, OMIM 616211.
WWOX-related disorder. Also called: WWOX-related condition.
Esophageal squamous cell carcinoma. Identifiers: Orphanet 99977, MedGen C0279626, MeSH D000077277, MONDO:0005580.
Developmental and epileptic encephalopathy, 1 (DEE1). Also called: X-linked infantile spasms; West's syndrome; Tonic spasms with clustering, arrest of psychomotor development and hypsarrhythmia on EEG; X-Linked Infantile Spasm Syndrome; Epileptic encephalopathy, early infantile, 1; INFANTILE SPASM SYNDROME, X-LINKED 1. Identifiers: MedGen C3463992, MONDO:0010632, OMIM 308350. Disease mechanism: loss of function.
Abnormal facial shape. Also called: Dysmorphic facies; Dysmorphic facial features. Identifiers: MedGen C0424503, HP:0001999.
Brain atrophy. Identifiers: MedGen C4551584, HP:0012444.
Global developmental delay (DD). Also called: Cognitive delay. Identifiers: MedGen C0557874, HP:0001263. Disease mechanism: loss of function.

Allele frequency attached by ClinVar (database versions not stated): TOPMed below 0.00001; gnomAD exomes below 0.00001.
gnomAD v4.1: 7 of 1,614,082 alleles (0.00043%); highest among the groups gnomAD compares: Middle Eastern, 0.033%; no homozygotes.

Submissions (11):

3billion
Classification: Pathogenic for WWOX-related disorder. Last evaluated: 2025-10-07. Review status: criteria provided, single submitter. Criteria: ACMG Guidelines, 2015. Collection method: clinical testing. Allele origin: germline. Affected: yes.
Comment: The variant is observed at an extremely low frequency in the gnomAD v4.1.0 dataset (total allele frequency: <0.001%). Predicted Consequence/Location: Canonical splice site: predicted to alter splicing and result in a loss or disruption of normal protein function. Multiple pathogenic loss-of-function variants are reported downstream of the variant. In silico tools predict the variant to alter splicing and produce an abnormal transcript [SpliceAI: 0.99 (spliceogenicity >=0.2, non-spliceogenicity <0.1)]. The variant has been reported at least twice as pathogenic with clinical assertions and evidence for the classification (ClinVar ID: VCV000183303 /PMID: 25558065). Therefore, this variant is classified as Pathogenic according to the recommendation of ACMG/AMP guideline.

First Genomix Gene Laboratory, Genetic Diagnostics Department
Classification: Pathogenic for Developmental and epileptic encephalopathy, 28; Autosomal recessive spinocerebellar ataxia 12. Last evaluated: 2025-03-20. Review status: criteria provided, single submitter. Criteria: ACMG Guidelines, 2015. Collection method: clinical testing. Allele origin: germline. Inheritance: Autosomal recessive inheritance. Affected: no. Observed: 1 variant allele.

Dubai Health Genomic Medicine Center, Dubai Health
Classification: Pathogenic for Esophageal squamous cell carcinoma. Last evaluated: 2024-10-04. Review status: criteria provided, single submitter. Criteria: ACMG Guidelines, 2015. Collection method: research. Allele origin: germline. Affected: yes.
Comment: PVS1,PM3(strong),PM2

Kids Research, The Children's Hospital at Westmead
Classification: Pathogenic for Developmental and epileptic encephalopathy, 28. Last evaluated: 2024-09-20. Review status: criteria provided, single submitter. Criteria: ACMG Guidelines, 2015. Collection method: research. Allele origin: germline. Affected: yes.
Comment: PVS1_Strong, PM2, PM3_Strong

Genomic Medicine Center of Excellence, King Faisal Specialist Hospital and Research Centre
Classification: Pathogenic for Developmental and epileptic encephalopathy, 28. Last evaluated: 2024-03-14. Review status: criteria provided, single submitter. Criteria: ACMG Guidelines, 2015. Collection method: research. Allele origin: germline.

Labcorp Genetics (formerly Invitae), Labcorp
Classification: Pathogenic for Developmental and epileptic encephalopathy, 1; Autosomal recessive spinocerebellar ataxia 12. Last evaluated: 2023-10-13. Review status: criteria provided, single submitter. Criteria: Invitae Variant Classification Sherloc (09022015). Collection method: clinical testing. Allele origin: germline.
Comment: This sequence change affects an acceptor splice site in intron 6 of the WWOX gene. It is expected to disrupt RNA splicing. Variants that disrupt the donor or acceptor splice site typically lead to a loss of protein function (PMID: 16199547), and loss-of-function variants in WWOX are known to be pathogenic (PMID: 24456803, 25411445). This variant is present in population databases (rs730882215, gnomAD 0.0009%). Disruption of this splice site has been observed in individuals with clinical features of WWOX-related conditions (PMID: 27717089, 29852413). ClinVar contains an entry for this variant (Variation ID: 183303). Algorithms developed to predict the effect of sequence changes on RNA splicing suggest that this variant may disrupt the consensus splice site. For these reasons, this variant has been classified as Pathogenic.

PreventionGenetics, part of Exact Sciences
Classification: Pathogenic for WWOX-related condition. Last evaluated: 2022-12-20. Review status: criteria provided, single submitter. Criteria: ACMG Guidelines, 2015. Collection method: clinical testing. Allele origin: germline.
Comment: The WWOX c.606-1G>A variant is predicted to disrupt the AG splice acceptor site and interfere with normal splicing. This variant was reported as pathogenic for developmental and epileptic encephalopathy (Table S1, Alazami et al. 2015. PubMed ID: 25558065; Table S3, Alabdullatif et al. 2016. PubMed ID: 27717089; Kothur et al. 2018. PubMed ID: 29852413). This variant is reported in 0.00088% of alleles in individuals of European (Non-Finnish) descent in gnomAD. Variants that disrupt the consensus splice acceptor site in WWOX are expected to be pathogenic. This variant is interpreted as pathogenic.

GeneDx
Classification: Pathogenic. Last evaluated: 2021-12-29. Review status: criteria provided, single submitter. Criteria: GeneDx Variant Classification Process June 2021. Collection method: clinical testing. Allele origin: germline. Affected: yes.
Comment: Not observed at significant frequency in large population cohorts (gnomAD); Canonical splice site variant predicted to result in an in-frame deletion of a critical region; This variant is associated with the following publications: (PMID: 27717089, 29852413, 30361190, 25558065, 26345274, 32552793, 25411445)

Pathology and Clinical Laboratory Medicine, King Fahad Medical City
Classification: Pathogenic for Developmental and epileptic encephalopathy, 28. Review status: criteria provided, single submitter. Criteria: ACMG Guidelines, 2015. Collection method: clinical testing. Allele origin: germline. Affected: yes. Observed: 1 variant allele.

Genomic Medicine Center of Excellence, King Faisal Specialist Hospital and Research Centre
Classification: Likely pathogenic for Global developmental delay; Dysmorphic facies; Brain atrophy. Last evaluated: 2014-12-01. Review status: no assertion criteria provided. Criteria: research. Collection method: research. Allele origin: germline. Affected: yes. Not counted in ClinVar's aggregate classification.

Bioscientia Institut fuer Medizinische Diagnostik GmbH, Sonic Healthcare
Classification: Likely pathogenic for Developmental and epileptic encephalopathy, 28. Review status: no assertion criteria provided. Collection method: clinical testing. Allele origin: germline. Affected: yes. Not counted in ClinVar's aggregate classification.

Literature cited by the submitters: PubMed 25558065 (cited by 3billion and Genomic Medicine Center of Excellence, King Faisal Specialist Hospital and Research Centre); PubMed 16199547 (cited by Labcorp Genetics (formerly Invitae), Labcorp); PubMed 24456803 (cited by Labcorp Genetics (formerly Invitae), Labcorp); PubMed 25411445 (cited by Labcorp Genetics (formerly Invitae), Labcorp); PubMed 27717089 (cited by Labcorp Genetics (formerly Invitae), Labcorp); PubMed 29852413 (cited by Labcorp Genetics (formerly Invitae), Labcorp).